The following is an entry in ClinVar:

ClinVar aggregate classification (germline): Likely pathogenic (0 of 4 stars; one submission).

Submission:

Broad Center for Mendelian Genomics, Broad Institute of MIT and Harvard
Classification: Likely pathogenic. Last evaluated: 2019-02-07. Review status: no assertion criteria provided. Collection method: research. Allele origin: de novo. Inheritance: Autosomal dominant inheritance. Affected: yes.
Comment: This deletion covers less than 10 protein-coding RefSeq genes. This deletion overlaps with the KMT2E variant which is reported to have, at least 29 de novo variants, of which 15 have confirmed maternity and paternity. It is of note that loss of function of the KMT2E gene in autosomal dominant disease has not yet been established based on the criteria laid out in Tayoun, 2018 (PMID: 30192042). In summary, although additional studies are required to fully establish its clinical significance, this variant is likely pathogenic.

GRCh37/hg19 7q22.1-22.3(chr7:103679146-105547471)

Genes: ATXN7L1 (ataxin 7 like 1; minus strand), KMT2E (lysine methyltransferase 2E (inactive); plus strand), LHFPL3 (LHFPL tetraspan subfamily member 3; plus strand), ORC5 (origin recognition complex subunit 5; minus strand), PUS7 (pseudouridine synthase 7; minus strand) and 2 more. Cytogenetic location: 7q22.1-22.3.
Variant type: copy number loss.
Identifiers: ClinVar variation 805919 (VCV000805919.1).